The following is an entry in ClinVar:

NM_000059.4(BRCA2):c.161A>G (p.Asn54Ser)

Gene: BRCA2 (BRCA2 DNA repair associated; plus strand). Cytogenetic location: 13q13.1.
Variant type: single nucleotide variant.
Coding change: c.161A>G on transcript NM_000059.4 (MANE Select); coding-DNA position 161, A replaced by G.
Protein change: p.Asn54Ser; replaces asparagine 54 with serine.
Molecular consequence: missense variant.
Genome position (GRCh38, 1-based): chr13:32,319,170, A>G. VCF-style: chr13-32319170-A-G. GRCh37 (hg19) VCF-style: chr13-32893307-A-G.
Other names: short protein forms N54S.
Identifiers: ClinVar variation 1484249 (VCV001484249.6), dbSNP rs80358445, ClinGen allele CA387754307.

ClinVar aggregate classification (germline): Uncertain significance (1 of 4 stars; one submission).

Conditions:
Hereditary breast ovarian cancer syndrome. Also called: Hereditary breast and/or ovarian cancer syndrome; Hereditary breast and ovarian cancer syndrome (HBOC); Breast and ovarian cancer; Hereditary breast and ovarian cancer; Hereditary breast and ovarian cancer syndrome; BRCA1- and BRCA2-Associated Hereditary Breast and Ovarian Cancer. Identifiers: Orphanet 145, MedGen C0677776, MeSH D061325, MONDO:0003582. Disease mechanism: loss of function.

Submission:

Labcorp Genetics (formerly Invitae), Labcorp
Classification: Uncertain significance for Hereditary breast ovarian cancer syndrome. Last evaluated: 2023-06-25. Review status: criteria provided, single submitter. Criteria: Invitae Variant Classification Sherloc (09022015). Collection method: clinical testing. Allele origin: germline.
Comment: In summary, the available evidence is currently insufficient to determine the role of this variant in disease. Therefore, it has been classified as a Variant of Uncertain Significance. Advanced modeling of protein sequence and biophysical properties (such as structural, functional, and spatial information, amino acid conservation, physicochemical variation, residue mobility, and thermodynamic stability) performed at Invitae indicates that this missense variant is not expected to disrupt BRCA2 protein function. ClinVar contains an entry for this variant (Variation ID: 1484249). This variant has not been reported in the literature in individuals affected with BRCA2-related conditions. This variant is not present in population databases (gnomAD no frequency). This sequence change replaces asparagine, which is neutral and polar, with serine, which is neutral and polar, at codon 54 of the BRCA2 protein (p.Asn54Ser).